The following is an entry in ClinVar:

ClinVar aggregate classification (germline): Uncertain significance. Review status: criteria provided, multiple submitters, no conflicts (2 of 4 stars). 2 submissions from 2 submitters: Uncertain significance (2). Last evaluated 2021-12-03.

Conditions:
Autosomal recessive juvenile Parkinson disease 2. Also called: Parkinson disease autosomal recessive, early onset; Juvenile parkinsonism; Parkinsonism, early onset, with diurnal fluctuation; Parkinson disease, juvenile, type 2; PRKN-Related Early-Onset Parkinson Disease; PARKINSON DISEASE, JUVENILE, AUTOSOMAL RECESSIVE. Identifiers: Orphanet 2828, MedGen C1868675, MONDO:0010820, OMIM 600116.
Ovarian neoplasm. Also called: Ovarian tumor; Neoplasm of ovary; Ovarian Neoplasms. Identifiers: MedGen C0919267, MeSH D010051, MONDO:0021068, HP:0100615.
Lung cancer. Also called: Malignant tumor of lung; Lung cancer, somatic. Identifiers: MedGen C0242379, MONDO:0008903, OMIM 211980.

Allele frequency attached by ClinVar (database versions not stated): gnomAD exomes 0.00010 and 0.00020; ExAC 0.00020; ESP Exome Variant Server 0.00054; gnomAD 0.00054 and 0.00055; TOPMed 0.00054; 1000 Genomes Project 30x 0.00109; 1000 Genomes Project 0.00120.
gnomAD v4.1: 224 of 1,614,162 alleles (0.014%); highest among the groups gnomAD compares: African/African-American, 0.23%; no homozygotes.

Submissions (2):

Labcorp Genetics (formerly Invitae), Labcorp
Classification: Uncertain significance. Last evaluated: 2021-12-03. Review status: criteria provided, single submitter. Criteria: Invitae Variant Classification Sherloc (09022015). Collection method: clinical testing. Allele origin: germline.
Comment: This sequence change replaces tyrosine, which is neutral and polar, with histidine, which is basic and polar, at codon 267 of the PRKN protein (p.Tyr267His). This variant is present in population databases (rs114696251, gnomAD 0.2%). This missense change has been observed in individual(s) with Alzheimer disease and/or Parkinson disease (PMID: 19006224, 31182772). ClinVar contains an entry for this variant (Variation ID: 649511). Advanced modeling of protein sequence and biophysical properties (such as structural, functional, and spatial information, amino acid conservation, physicochemical variation, residue mobility, and thermodynamic stability) performed at Invitae indicates that this missense variant is expected to disrupt PRKN protein function. Experimental studies have shown that this missense change affects PRKN function (PMID: 25939424). In summary, the available evidence is currently insufficient to determine the role of this variant in disease. Therefore, it has been classified as a Variant of Uncertain Significance.

Fulgent Genetics
Classification: Uncertain significance for Ovarian cancer; Lung cancer; Autosomal recessive juvenile Parkinson disease 2. Last evaluated: 2021-11-08. Review status: criteria provided, single submitter. Criteria: ACMG Guidelines, 2015. Collection method: clinical testing. Allele origin: unknown.

Literature cited by the submitters: PubMed 19006224 (cited by Labcorp Genetics (formerly Invitae), Labcorp); PubMed 31182772 (cited by Labcorp Genetics (formerly Invitae), Labcorp); PubMed 25939424 (cited by Labcorp Genetics (formerly Invitae), Labcorp).

NM_004562.3(PRKN):c.799T>C (p.Tyr267His)

Gene: PRKN (parkin RBR E3 ubiquitin protein ligase; minus strand). Cytogenetic location: 6q26.
Variant type: single nucleotide variant.
Coding change: c.799T>C on transcript NM_004562.3 (MANE Select); coding-DNA position 799, T replaced by C.
Protein change: p.Tyr267His; replaces tyrosine 267 with histidine.
Molecular consequence: missense variant.
Genome position (GRCh38, 1-based): chr6:161,785,844, A>G on the plus strand (T>C on the coding strand, the complement: PRKN is on the minus strand). VCF-style: chr6-161785844-A-G. GRCh37 (hg19) VCF-style: chr6-162206876-A-G.
Other names: c.715T>C, p.Tyr239His (NM_013987.3); c.352T>C, p.Tyr118His (NM_013988.3); short protein forms Y239H, Y118H, Y267H.
Identifiers: ClinVar variation 649511 (VCV000649511.5), dbSNP rs114696251, ClinGen allele CA4090223.